The following is an entry in ClinVar:

ClinVar aggregate classification (germline): Uncertain significance (1 of 4 stars; one submission).

Submission:

GeneDx
Classification: Uncertain significance. Last evaluated: 2023-12-08. Review status: criteria provided, single submitter. Criteria: GeneDx Variant Classification Process June 2021. Collection method: clinical testing. Allele origin: germline. Affected: yes.
Comment: Not observed at significant frequency in large population cohorts (gnomAD); In silico analysis supports that this missense variant has a deleterious effect on protein structure/function; Has not been previously published as pathogenic or benign to our knowledge

NM_003107.3(SOX4):c.1285G>C (p.Asp429His)

Gene: SOX4 (SRY-box transcription factor 4; plus strand). Cytogenetic location: 6p22.3.
Variant type: single nucleotide variant.
Coding change: c.1285G>C on transcript NM_003107.3 (MANE Select); coding-DNA position 1285, G replaced by C.
Protein change: p.Asp429His; replaces aspartic acid 429 with histidine.
Molecular consequence: missense variant.
Genome position (GRCh38, 1-based): chr6:21,595,819, G>C. VCF-style: chr6-21595819-G-C. GRCh37 (hg19) VCF-style: chr6-21596050-G-C.
Other names: short protein forms D429H.
Identifiers: ClinVar variation 3365249 (VCV003365249.1).